The following is an entry in ClinVar:

ClinVar aggregate classification (germline): Uncertain significance (1 of 4 stars; one submission).

Conditions:
Cystic fibrosis (CF). Also called: MUCOVISCIDOSIS. Identifiers: Orphanet 586, MedGen C0010674, MONDO:0009061, OMIM 219700. Disease mechanism: loss of function.

Allele frequency attached by ClinVar (database versions not stated): gnomAD exomes below 0.00001; TOPMed below 0.00001; ExAC 0.00001.
gnomAD v4.1: 8 of 1,613,206 alleles (0.0005%); highest among the groups gnomAD compares: Non-Finnish European, 0.000085%; no homozygotes.

Submission:

Ambry Genetics
Classification: Uncertain significance for Cystic fibrosis. Last evaluated: 2022-09-08. Review status: criteria provided, single submitter. Criteria: Ambry Variant Classification Scheme 2023. Collection method: clinical testing. Allele origin: germline.
Comment: The p.P1290L variant (also known as c.3869C>T), located in coding exon 23 of the CFTR gene, results from a C to T substitution at nucleotide position 3869. The proline at codon 1290 is replaced by leucine, an amino acid with similar properties. This amino acid position is well conserved in available vertebrate species. In addition, this alteration is predicted to be deleterious by in silico analysis. Since supporting evidence is limited at this time, the clinical significance of this alteration remains unclear.

NM_000492.4(CFTR):c.3869C>T (p.Pro1290Leu)

Genes: CFTR (CF transmembrane conductance regulator; plus strand), CFTR-AS2 (CFTR antisense RNA 2; minus strand). Cytogenetic location: 7q31.2.
Variant type: single nucleotide variant.
Coding change: c.3869C>T on transcript NM_000492.4 (MANE Select); coding-DNA position 3869, C replaced by T.
Protein change: p.Pro1290Leu; replaces proline 1290 with leucine.
Molecular consequence: missense variant.
Genome position (GRCh38, 1-based): chr7:117,642,589, C>T. VCF-style: chr7-117642589-C-T. GRCh37 (hg19) VCF-style: chr7-117282643-C-T.
Other names: short protein forms P1290L.
Identifiers: ClinVar variation 1735660 (VCV001735660.2), dbSNP rs760455218, ClinGen allele CA4451561.